The following is an entry in ClinVar:

ClinVar aggregate classification (germline): Uncertain significance (1 of 4 stars; one submission).

Allele frequency attached by ClinVar (database versions not stated): gnomAD exomes 0.00001.

Submission:

Labcorp Genetics (formerly Invitae), Labcorp
Classification: Uncertain significance. Last evaluated: 2018-07-04. Review status: criteria provided, single submitter. Criteria: Invitae Variant Classification Sherloc (09022015). Collection method: clinical testing. Allele origin: germline.
Comment: In summary, the available evidence is currently insufficient to determine the role of this variant in disease. Therefore, it has been classified as a Variant of Uncertain Significance. Algorithms developed to predict the effect of missense changes on protein structure and function (SIFT, PolyPhen-2, Align-GVGD) all suggest that this variant is likely to be disruptive, but these predictions have not been confirmed by published functional studies and their clinical significance is uncertain. This variant has not been reported in the literature in individuals with CTF1-related disease. While this variant is not present in population databases, the frequency information is unreliable, as metrics indicate poor data quality at this position in the ExAC database. This sequence change replaces alanine with valine at codon 75 of the CTF1 protein (p.Ala75Val). The alanine residue is highly conserved and there is a small physicochemical difference between alanine and valine.

NM_001330.5(CTF1):c.224C>T (p.Ala75Val)

Genes: CTF1 (cardiotrophin 1; plus strand), LOC130058878 (ATAC-STARR-seq lymphoblastoid silent region 7400; plus strand). Cytogenetic location: 16p11.2.
Variant type: single nucleotide variant.
Coding change: c.224C>T on transcript NM_001330.5 (MANE Select); coding-DNA position 224, C replaced by T.
Protein change: p.Ala75Val; replaces alanine 75 with valine.
Molecular consequence: missense variant. On other transcripts: non-coding transcript variant (1).
Genome position (GRCh38, 1-based): chr16:30,902,157, C>T. VCF-style: chr16-30902157-C-T. GRCh37 (hg19) VCF-style: chr16-30913478-C-T.
Other names: c.221C>T, p.Ala74Val (NM_001142544.3); short protein forms A74V, A75V.
Identifiers: ClinVar variation 655597 (VCV000655597.9), dbSNP rs1385458236, ClinGen allele CA395618481.